The following is an entry in ClinVar:

ClinVar aggregate classification (germline): Uncertain significance (1 of 4 stars; one submission).

Allele frequency attached by ClinVar (database versions not stated): ExAC 0.00002; gnomAD 0.00005; TOPMed 0.00006; ESP Exome Variant Server 0.00015; 1000 Genomes Project 30x 0.00016; 1000 Genomes Project 0.00020.
gnomAD v4.1: 12 of 1,613,876 alleles (0.00074%); highest among the groups gnomAD compares: African/African-American, 0.015%; no homozygotes.

Submission:

Labcorp Genetics (formerly Invitae), Labcorp
Classification: Uncertain significance. Last evaluated: 2025-10-01. Review status: criteria provided, single submitter. Criteria: Invitae Variant Classification Sherloc (09022015). Collection method: clinical testing. Allele origin: germline.
Comment: This sequence change replaces glutamine, which is neutral and polar, with arginine, which is basic and polar, at codon 462 of the IMPG1 protein (p.Gln462Arg). This variant is present in population databases (rs148175710, gnomAD 0.02%). This variant has not been reported in the literature in individuals affected with IMPG1-related conditions. ClinVar contains an entry for this variant (Variation ID: 2966031). An algorithm developed to predict the effect of missense changes on protein structure and function (PolyPhen-2) suggests that this variant is likely to be disruptive. In summary, the available evidence is currently insufficient to determine the role of this variant in disease. Therefore, it has been classified as a Variant of Uncertain Significance.

NM_001563.4(IMPG1):c.1385A>G (p.Gln462Arg)

Gene: IMPG1 (interphotoreceptor matrix proteoglycan 1; minus strand). Cytogenetic location: 6q14.1.
Variant type: single nucleotide variant.
Coding change: c.1385A>G on transcript NM_001563.4 (MANE Select); coding-DNA position 1385, A replaced by G.
Protein change: p.Gln462Arg; replaces glutamine 462 with arginine.
Molecular consequence: missense variant.
Genome position (GRCh38, 1-based): chr6:75,951,001, T>C on the plus strand (A>G on the coding strand, the complement: IMPG1 is on the minus strand). VCF-style: chr6-75951001-T-C. GRCh37 (hg19) VCF-style: chr6-76660718-T-C.
Other names: c.1151A>G, p.Gln384Arg (NM_001282368.2); short protein forms Q384R, Q462R.
Identifiers: ClinVar variation 2966031 (VCV002966031.3), dbSNP rs148175710, ClinGen allele CA3898127.